The following is an entry in ClinVar:

NM_000169.3(GLA):c.497T>C (p.Leu166Pro)

Genes: GLA (galactosidase alpha; minus strand), RPL36A-HNRNPH2 (RPL36A-HNRNPH2 readthrough; plus strand). Cytogenetic location: Xq22.1.
Variant type: single nucleotide variant.
Coding change: c.497T>C on transcript NM_000169.3 (MANE Select); coding-DNA position 497, T replaced by C.
Protein change: p.Leu166Pro; replaces leucine 166 with proline.
Molecular consequence: missense variant. On other transcripts: non-coding transcript variant (3), intron variant (2).
Genome position (GRCh38, 1-based): chrX:101,401,682, A>G on the plus strand (T>C on the coding strand, the complement: GLA is on the minus strand). VCF-style: chrX-101401682-A-G. GRCh37 (hg19) VCF-style: chrX-100656670-A-G.
Other names: c.620T>C, p.Leu207Pro (NM_001406747.1, NM_001406749.1); c.497T>C, p.Leu166Pro (NM_001406748.1); c.300+6225A>G (NM_001199973.2); c.177+9860A>G (NM_001199974.2); short protein forms L166P, L207P.
Identifiers: ClinVar variation 4974892 (VCV004974892.1).

ClinVar aggregate classification (germline): Likely pathogenic (1 of 4 stars; one submission).

Conditions:
Fabry disease. Also called: Fabry's disease; ALPHA-GALACTOSIDASE A DEFICIENCY; ANDERSON-FABRY DISEASE; CERAMIDE TRIHEXOSIDASE DEFICIENCY; GLA DEFICIENCY; HEREDITARY DYSTOPIC LIPIDOSIS. Identifiers: Orphanet 324, MedGen C0002986, MONDO:0010526, OMIM 301500, HP:0001071. Disease mechanism: Fabry disease is due to inactivating mutations in the X-linked GLA gene resulting in deficiency of the enzyme Alpha Galactosidase-A., loss of function.

Submission:

Genomenon, Inc
Classification: Likely pathogenic for Fabry disease. Last evaluated: 2026-09-08. Review status: criteria provided, single submitter. Criteria: Genomenon Sequence Variant Interpretation Standards - Updated. Collection method: curation. Allele origin: germline. Affected: yes.
Comment: GLA p.Leu166Pro (c.497T>C) is a missense variant that changes the amino acid at codon 166 from Leucine to Proline. This variant has been observed in at least one proband with clinical features consistent with Fabry disease (PMID:29621274). This variant is located in a mutational hotspot and/or important functional domain. It is absent or not present at a significant frequency in gnomAD. In silico models predict that this variant is possibly or probably damaging. In conclusion, we classify GLA p.Leu166Pro (c.497T>C) as a likely pathogenic variant.

Literature cited by the submitters: PubMed 29621274.